The following continues an entry in ClinVar:

NM_000218.3(KCNQ1):c.775C>T (p.Arg259Cys)

Gene: KCNQ1. ClinVar aggregate classification (germline): Pathogenic/Likely pathogenic. Pathogenic (9); Likely pathogenic (4).

Submissions 11 to 17 of 17:

Laboratory for Molecular Medicine, Mass General Brigham Personalized Medicine
Classification: Likely pathogenic for Familial long QT syndrome. Last evaluated: 2020-04-16. Review status: criteria provided, single submitter. Criteria: ACMG Guidelines, 2015. Collection method: clinical testing. Allele origin: germline. Inheritance: Autosomal dominant inheritance.
Comment: The p.Arg259Cys variant in KCNQ1 has been reported in the heterozygous state in at least 10 individuals with Long QT Syndrome (LQTS), including a de novo occurrence where maternity and paternity was not confirmed and 2 individuals with childhood onset LQTS (Kubota 2000, PMID: 11021476; Jongbloed 2002, PMID: 12402336; Van Langen 2003, PMID: 12566525; Shimizu 2004, PMID: 15234419; Moss 2007, PMID:17470695; Kapa 2009, PMID: 19841300; Hofman 2011, PMID: 21350584; Crotti 2012, PMID:23158531, Giudicessi 2012, PMID:22949429, Mitchell 2012, PMID:23124029). Additionally, it has been identified in at least 5 individuals referred for LQTS clinical genetic testing (Tester 2005, PMID: 15840476; Kapplinger 2009, PMID:19716085) and in 1 child with exercise-triggered syncope (Millat 2006, PMID: 16922724). This variant has also been reported by other clinical laboratories in ClinVar (Variation ID: 53100) and has been identified in 0.005% (1/18224) of East Asian chromosomes in gnomAD. In vitro functional studies support an impact on protein function that is consistent with a dominant negative effect (Kubota 2000, PMID: 11021476) and computational prediction tools and conservation analyses are consistent with pathogenicity. In summary, although additional studies are required to fully establish its clinical significance, this variant meets criteria to be classified as likely pathogenic for autosomal dominant LQTS. ACMG/AMP Criteria applied: PM2, PP3, PS3_supporting, PS4_Moderate, PM6.

MVZ Martinsried, Medicover Genetics
Classification: Pathogenic for Long QT syndrome 1. Last evaluated: 2018-01-31. Review status: criteria provided, single submitter. Criteria: ACMG Guidelines, 2015. Collection method: clinical testing. Allele origin: unknown. Affected: yes.

Stanford Center for Inherited Cardiovascular Disease, Stanford University
Classification: Likely pathogenic. Last evaluated: 2014-12-02. Review status: criteria provided, single submitter. Criteria: ACMG Guidelines, 2015. Collection method: provider interpretation. Allele origin: germline.

Bioscientia Institut fuer Medizinische Diagnostik GmbH, Sonic Healthcare
Classification: Pathogenic for Long QT syndrome 1. Last evaluated: 2018-06-18. Review status: no assertion criteria provided. Collection method: clinical testing. Allele origin: germline. Affected: yes. Not counted in ClinVar's aggregate classification.

Cardiovascular Biomedical Research Unit, Royal Brompton & Harefield NHS Foundation Trust
No classification provided. Condition: Familial long QT syndrome. Review status: no classification provided. Collection method: literature only. Allele origin: germline. Not counted in ClinVar's aggregate classification.
Comment: This variant has been reported as associated with Long QT syndrome in the following publications (PMID:11021476;PMID:12402336;PMID:12566525;PMID:15840476;PMID:16922724;PMID:19716085;PMID:19841300;PMID:15234419;PMID:17470695). This is a literature report, and does not necessarily reflect the clinical interpretation of the Imperial College / Royal Brompton Cardiovascular Genetics laboratory.

Clinical Genetics, Academic Medical Center
Classification: Pathogenic. Review status: no assertion criteria provided. Collection method: clinical testing. Allele origin: germline. Affected: yes. Study: VKGL Data-share Consensus. Not counted in ClinVar's aggregate classification.

Joint Genome Diagnostic Labs from Nijmegen and Maastricht, Radboudumc and MUMC+
Classification: Pathogenic. Review status: no assertion criteria provided. Collection method: clinical testing. Allele origin: germline. Affected: yes. Study: VKGL Data-share Consensus. Not counted in ClinVar's aggregate classification.

Literature cited by the submitters: PubMed 11021476 (cited by 6 submitters); PubMed 33664273 (cited by OLLIN Analises Genomicas, OLLIN); PubMed 23158531 (cited by 5 submitters); PubMed 29439887 (cited by OLLIN Analises Genomicas, OLLIN and Molecular Genetics, Royal Melbourne Hospital); PubMed 21350584 (cited by 5 submitters); PubMed 12402336 (cited by 4 submitters); PubMed 15234419 (cited by 3 submitters); PubMed 22949429 (cited by Labcorp Genetics (formerly Invitae), Labcorp and Laboratory for Molecular Medicine, Mass General Brigham Personalized Medicine); PubMed 23124029 (cited by Labcorp Genetics (formerly Invitae), Labcorp and Laboratory for Molecular Medicine, Mass General Brigham Personalized Medicine); PubMed 15840476 (cited by 3 submitters); PubMed 16922724 (cited by 4 submitters); PubMed 17470695 (cited by 3 submitters); PubMed 19841300 (cited by 4 submitters); PubMed 23995044 (cited by Ambry Genetics and Laboratory for Molecular Medicine, Mass General Brigham Personalized Medicine); PubMed 22456477 (cited by Molecular Genetics, Royal Melbourne Hospital); PubMed 24947509 (cited by Molecular Genetics, Royal Melbourne Hospital); PubMed 30591322 (cited by Molecular Genetics, Royal Melbourne Hospital); PubMed 32893267 (cited by Molecular Genetics, Royal Melbourne Hospital); PubMed 35323627 (cited by Molecular Genetics, Royal Melbourne Hospital); PubMed 16414944 (cited by Laboratory for Molecular Medicine, Mass General Brigham Personalized Medicine); PubMed 12566525 (cited by Laboratory for Molecular Medicine, Mass General Brigham Personalized Medicine and Cardiovascular Biomedical Research Unit, Royal Brompton & Harefield NHS Foundation Trust); PubMed 22581653 (cited by Laboratory for Molecular Medicine, Mass General Brigham Personalized Medicine and Cardiovascular Biomedical Research Unit, Royal Brompton & Harefield NHS Foundation Trust); PubMed 19716085 (cited by Laboratory for Molecular Medicine, Mass General Brigham Personalized Medicine and Cardiovascular Biomedical Research Unit, Royal Brompton & Harefield NHS Foundation Trust).